The following is an entry in ClinVar:

ClinVar aggregate classification (germline): Likely pathogenic (1 of 4 stars; one submission).

Submission:

Labcorp Genetics (formerly Invitae), Labcorp
Classification: Likely pathogenic. Last evaluated: 2022-01-14. Review status: criteria provided, single submitter. Criteria: Invitae Variant Classification Sherloc (09022015). Collection method: clinical testing. Allele origin: germline.
Comment: In summary, the currently available evidence indicates that the variant is pathogenic, but additional data are needed to prove that conclusively. Therefore, this variant has been classified as Likely Pathogenic. Advanced modeling of protein sequence and biophysical properties (such as structural, functional, and spatial information, amino acid conservation, physicochemical variation, residue mobility, and thermodynamic stability) performed at Invitae indicates that this missense variant is expected to disrupt EBP protein function. This missense change has been observed in individual(s) with chondrodysplasia punctata (Invitae). This variant is not present in population databases (gnomAD no frequency). This sequence change replaces leucine, which is neutral and non-polar, with proline, which is neutral and non-polar, at codon 128 of the EBP protein (p.Leu128Pro).

NM_006579.3(EBP):c.383T>C (p.Leu128Pro)

Gene: EBP (EBP cholestenol delta-isomerase; plus strand). Cytogenetic location: Xp11.23.
Variant type: single nucleotide variant.
Coding change: c.383T>C on transcript NM_006579.3 (MANE Select); coding-DNA position 383, T replaced by C.
Protein change: p.Leu128Pro; replaces leucine 128 with proline.
Molecular consequence: missense variant.
Genome position (GRCh38, 1-based): chrX:48,527,199, T>C. VCF-style: chrX-48527199-T-C. GRCh37 (hg19) VCF-style: chrX-48385587-T-C.
Other names: short protein forms L128P.
Identifiers: ClinVar variation 1463061 (VCV001463061.6), dbSNP rs2061781897, ClinGen allele CA412852441.
Genomic context (GRCh38, chrX:48,527,199, plus strand): 5'-ATGCTTTCTCCTGCAGGGGTGACAACTTCACAGTGTGCATGGAAACCATCACAGCTTGCC[T>C]GTGGGGACCACTCAGCCTGTGGGTGGTGATCGCCTTTCTCCGCCAGCATCCCCTCCGCTT-3'
Protein context (NP_006570.1, residues 118-138): TVCMETITAC[Leu128Pro]WGPLSLWVVI